The following is an entry in ClinVar:

ClinVar aggregate classification (germline): Uncertain significance (1 of 4 stars; one submission).

Allele frequency attached by ClinVar (database versions not stated): gnomAD exomes below 0.00001; TOPMed below 0.00001.

Submission:

GeneDx
Classification: Uncertain significance. Last evaluated: 2017-05-23. Review status: criteria provided, single submitter. Criteria: GeneDx Variant Classification (06012015). Collection method: clinical testing. Allele origin: germline. Affected: yes.
Comment: The M1495K variant in the CACNA1H gene has not been reported previously as a pathogenic variant, nor as a benign variant, to our knowledge. The M1495K variant is not observed in large population cohorts (Lek et al., 2016; 1000 Genomes Consortium et al., 2015; Exome Variant Server). The M1495K variant is a non-conservative amino acid substitution, which is likely to impact secondary protein structure as these residues differ in polarity, charge, size and/or other properties. This substitution occurs at a position that is conserved across species. In silico analysis predicts this variant is probably damaging to the protein structure/function. We interpret M1495K as a variant of uncertain significance.

NM_021098.3(CACNA1H):c.4484T>A (p.Met1495Lys)

Gene: CACNA1H (calcium voltage-gated channel subunit alpha1 H; plus strand). Cytogenetic location: 16p13.3.
Variant type: single nucleotide variant.
Coding change: c.4484T>A on transcript NM_021098.3 (MANE Select); coding-DNA position 4484, T replaced by A.
Protein change: p.Met1495Lys; replaces methionine 1495 with lysine.
Molecular consequence: missense variant.
Genome position (GRCh38, 1-based): chr16:1,211,723, T>A. VCF-style: chr16-1211723-T-A. GRCh37 (hg19) VCF-style: chr16-1261723-T-A.
Other names: c.4484T>A, p.Met1495Lys (NM_001005407.2); short protein forms M1495K.
Identifiers: ClinVar variation 430231 (VCV000430231.2), dbSNP rs1131691843, ClinGen allele CA394180128.